The following is an entry in ClinVar:

ClinVar aggregate classification (germline): Conflicting classifications of pathogenicity. Review status: criteria provided, conflicting classifications (1 of 4 stars). 4 submissions from 4 submitters: Uncertain significance (1); Likely benign (3). Last evaluated 2026-04-09.

Conditions:
Autosomal recessive limb-girdle muscular dystrophy type 2J (LGMDR10). Also called: Limb-girdle muscular dystrophy, type 2J; MUSCULAR DYSTROPHY, LIMB-GIRDLE, AUTOSOMAL RECESSIVE 10. Identifiers: Orphanet 140922, MedGen C1837342, MONDO:0012127, OMIM 608807.
Dilated cardiomyopathy 1G (CMD1G). Identifiers: Orphanet 154, MedGen C1858763, MONDO:0011400, OMIM 604145.

Allele frequency attached by ClinVar (database versions not stated): ExAC 0.00001.

Submissions (4):

Greenwood Genetic Center Diagnostic Laboratories, Greenwood Genetic Center
Classification: Uncertain significance. Last evaluated: 2026-04-09. Review status: criteria provided, single submitter. Criteria: ACMG Guidelines, 2015. Collection method: clinical testing. Allele origin: germline.
Comment: PM2, BP4

Labcorp Genetics (formerly Invitae), Labcorp
Classification: Likely benign for Dilated cardiomyopathy 1G; Autosomal recessive limb-girdle muscular dystrophy type 2J. Last evaluated: 2025-03-04. Review status: criteria provided, single submitter. Criteria: Invitae Variant Classification Sherloc (09022015). Collection method: clinical testing. Allele origin: germline.

CeGaT Center for Human Genetics Tuebingen
Classification: Likely benign. Last evaluated: 2022-09-01. Review status: criteria provided, single submitter. Criteria: CeGaT Center For Human Genetics Tuebingen Variant Classification Criteria Version 2. Collection method: clinical testing. Allele origin: germline. Affected: yes. Observed: 1 variant allele.
Comment: TTN: BP4, BP7

Blueprint Genetics
Classification: Likely benign. Last evaluated: 2018-08-17. Review status: criteria provided, single submitter. Criteria: ACMG Guidelines, 2015. Collection method: clinical testing. Allele origin: germline.

NM_001267550.2(TTN):c.7413T>A (p.Pro2471=)

Genes: TTN (titin; minus strand), LOC126806433 (BRD4-independent group 4 enhancer GRCh37_chr2:179638309-179639508; plus strand). Cytogenetic location: 2q31.2.
Variant type: single nucleotide variant.
Coding change: c.7413T>A on transcript NM_001267550.2 (MANE Select); coding-DNA position 7413, T replaced by A.
Protein change: p.Pro2471=; no amino-acid change (proline 2471 retained).
Molecular consequence: synonymous variant.
Genome position (GRCh38, 1-based): chr2:178,773,643, A>T on the plus strand (T>A on the coding strand, the complement: TTN is on the minus strand). VCF-style: chr2-178773643-A-T. GRCh37 (hg19) VCF-style: chr2-179638370-A-T.
Other names: c.7413T>A, p.Pro2471= (NM_001256850.1, NM_133378.4, NM_133379.5); c.7275T>A, p.Pro2425= (NM_003319.4, NM_133432.3, NM_133437.4).
Identifiers: ClinVar variation 2651719 (VCV002651719.27), dbSNP rs766907895, ClinGen allele CA2004815.